The following is an entry in ClinVar:

ClinVar aggregate classification (germline): Uncertain significance (1 of 4 stars; one submission).

Conditions:
Isolated microphthalmia 5. Also called: Posterior Microphthalmia with Retinitis Pigmentosa, Foveoschisis, and Optic Disc Drusen. Identifiers: Orphanet 251279, MedGen C1970236, MONDO:0012605, OMIM 611040.

Allele frequency attached by ClinVar (database versions not stated): gnomAD exomes 0.00002; TOPMed 0.00002; ExAC 0.00003.
gnomAD v4.1: 12 of 1,613,548 alleles (0.00074%); highest among the groups gnomAD compares: Admixed American, 0.02%; no homozygotes.

Submission:

Labcorp Genetics (formerly Invitae), Labcorp
Classification: Uncertain significance for Isolated microphthalmia 5. Last evaluated: 2022-08-08. Review status: criteria provided, single submitter. Criteria: Invitae Variant Classification Sherloc (09022015). Collection method: clinical testing. Allele origin: germline.
Comment: This sequence change replaces serine, which is neutral and polar, with proline, which is neutral and non-polar, at codon 122 of the MFRP protein (p.Ser122Pro). This variant is present in population databases (rs750421729, gnomAD 0.03%). This variant has not been reported in the literature in individuals affected with MFRP-related conditions. Algorithms developed to predict the effect of missense changes on protein structure and function output the following: SIFT: "Deleterious"; PolyPhen-2: "Benign"; Align-GVGD: "Class C0". The proline amino acid residue is found in multiple mammalian species, which suggests that this missense change does not adversely affect protein function. In summary, the available evidence is currently insufficient to determine the role of this variant in disease. Therefore, it has been classified as a Variant of Uncertain Significance.

NM_031433.4(MFRP):c.364T>C (p.Ser122Pro)

Genes: C1QTNF5 (C1q and TNF related 5; minus strand), MFRP (membrane frizzled-related protein; minus strand). Cytogenetic location: 11q23.3.
Variant type: single nucleotide variant.
Coding change: c.364T>C on transcript NM_031433.4 (MANE Select); coding-DNA position 364, T replaced by C.
Protein change: p.Ser122Pro; replaces serine 122 with proline.
Molecular consequence: missense variant. On other transcripts: 5 prime UTR variant (1).
Genome position (GRCh38, 1-based): chr11:119,345,836, A>G on the plus strand (T>C on the coding strand, the complement: MFRP is on the minus strand). VCF-style: chr11-119345836-A-G. GRCh37 (hg19) VCF-style: chr11-119216546-A-G.
Other names: c.-2273T>C (NM_015645.5); short protein forms S122P.
Identifiers: ClinVar variation 2156091 (VCV002156091.1), dbSNP rs750421729, ClinGen allele CA6320598.